The following is an entry in ClinVar:

NM_004700.4(KCNQ4):c.742G>C (p.Val248Leu)

Gene: KCNQ4 (potassium voltage-gated channel subfamily Q member 4; plus strand). Cytogenetic location: 1p34.2.
Variant type: single nucleotide variant.
Coding change: c.742G>C on transcript NM_004700.4 (MANE Select); coding-DNA position 742, G replaced by C.
Protein change: p.Val248Leu; replaces valine 248 with leucine.
Molecular consequence: missense variant.
Genome position (GRCh38, 1-based): chr1:40,819,380, G>C. VCF-style: chr1-40819380-G-C. GRCh37 (hg19) VCF-style: chr1-41285052-G-C.
Other names: c.742G>C, p.Val248Leu (NM_172163.3); short protein forms V248L.
Identifiers: ClinVar variation 2632182 (VCV002632182.2), dbSNP rs2523886441, ClinGen allele CA339895426.

ClinVar aggregate classification (germline): Uncertain significance (1 of 4 stars; one submission).

Conditions:
KCNQ4-related disorder. Also called: KCNQ4-related condition.

Submission:

PreventionGenetics, part of Exact Sciences
Classification: Uncertain significance for KCNQ4-related condition. Last evaluated: 2025-05-28. Review status: criteria provided, single submitter. Criteria: ACMG Guidelines, 2015. Collection method: clinical testing. Allele origin: germline.
Comment: The KCNQ4 c.742G>C variant is predicted to result in the amino acid substitution p.Val248Leu. To our knowledge, this variant has not been reported in the literature or in a large population database (gnomAD), indicating this variant is rare. At this time, the clinical significance of this variant is uncertain due to the absence of conclusive functional and genetic evidence.